The following is an entry in ClinVar:

NM_000257.4(MYH7):c.52A>C (p.Lys18Gln)

Gene: MYH7 (myosin heavy chain 7; minus strand). Cytogenetic location: 14q11.2.
Variant type: single nucleotide variant.
Coding change: c.52A>C on transcript NM_000257.4 (MANE Select); coding-DNA position 52, A replaced by C.
Protein change: p.Lys18Gln; replaces lysine 18 with glutamine.
Molecular consequence: missense variant.
Genome position (GRCh38, 1-based): chr14:23,433,681, T>G on the plus strand (A>C on the coding strand, the complement: MYH7 is on the minus strand). VCF-style: chr14-23433681-T-G. GRCh37 (hg19) VCF-style: chr14-23902890-T-G.
Other names: c.52A>C, p.Lys18Gln (NM_001407004.1); short protein forms K18Q.
Identifiers: ClinVar variation 3070535 (VCV003070535.1), dbSNP rs730880827, ClinGen allele CA389054093.

ClinVar aggregate classification (germline): Uncertain significance (1 of 4 stars; one submission).

Conditions:
Cardiomyopathy (CMYO). Also called: Cardiomyopathies. Identifiers: Orphanet 167848, MedGen C0878544, MONDO:0004994, HP:0001638. Inheritance: Various modes of inheritance.

Submission:

All of Us Research Program, National Institutes of Health
Classification: Uncertain significance for Cardiomyopathy. Last evaluated: 2023-04-27. Review status: criteria provided, single submitter. Criteria: ACMG Guidelines, 2015. Collection method: clinical testing. Allele origin: germline. Inheritance: Autosomal dominant inheritance. Observed: 1 variant allele, 1 heterozygote.
Comment: This study involves interpretation of variants in research participants for the purpose of population health screening. Participant phenotype was not available at the time of variant classification. Additional details can be found in publication PMID: 35346344, PMCID: PMC8962531